The following is an entry in ClinVar:

NM_001372.4(DNAH9):c.12700_12701del (p.Asp4234fs)

Gene: DNAH9 (dynein axonemal heavy chain 9; plus strand). Cytogenetic location: 17p12.
Variant type: Deletion.
Coding change: c.12700_12701del on transcript NM_001372.4 (MANE Select); coding-DNA positions 12700 to 12701, 2 bases deleted (GA; older notation c.12700_12701delGA).
Protein change: p.Asp4234fs; shifts the reading frame from aspartic acid 4234.
Molecular consequence: frameshift variant.
Genome position (GRCh38, 1-based): chr17:11,942,342-11,942,343, GA deleted; deleting any 2 consecutive bases within chr17:11,942,341-11,942,343 gives the same sequence; the c. name uses the placement nearest the transcript's 3' end. VCF-style (leftmost placement, unchanged base first): chr17-11942340-CAG-C. GRCh37 (hg19) VCF-style: chr17-11845657-CAG-C.
Other names: c.1636_1637del, p.Asp546fs (NM_004662.2); short protein forms D546fs, D4234fs.
Identifiers: ClinVar variation 3727252 (VCV003727252.2).

ClinVar aggregate classification (germline): Pathogenic (1 of 4 stars; one submission).

Submission:

Labcorp Genetics (formerly Invitae), Labcorp
Classification: Pathogenic. Last evaluated: 2024-12-13. Review status: criteria provided, single submitter. Criteria: Invitae Variant Classification Sherloc (09022015). Collection method: clinical testing. Allele origin: germline.
Comment: This sequence change creates a premature translational stop signal (p.Asp4234Argfs*3) in the DNAH9 gene. It is expected to result in an absent or disrupted protein product. Loss-of-function variants in DNAH9 are known to be pathogenic (PMID: 30471718). This variant is not present in population databases (gnomAD no frequency). This variant has not been reported in the literature in individuals affected with DNAH9-related conditions. For these reasons, this variant has been classified as Pathogenic.

Literature cited by the submitters: PubMed 30471718.